The following is an entry in ClinVar:

ClinVar aggregate classification (germline): Uncertain significance (1 of 4 stars; one submission).

Submission:

Labcorp Genetics (formerly Invitae), Labcorp
Classification: Uncertain significance. Last evaluated: 2021-10-05. Review status: criteria provided, single submitter. Criteria: Invitae Variant Classification Sherloc (09022015). Collection method: clinical testing. Allele origin: germline.
Comment: Algorithms developed to predict the effect of missense changes on protein structure and function are either unavailable or do not agree on the potential impact of this missense change (SIFT: "Deleterious"; PolyPhen-2: "Probably Damaging"; Align-GVGD: "Class C15"). This sequence change replaces glutamic acid with lysine at codon 1177 of the CACNA1D protein (p.Glu1177Lys). The glutamic acid residue is highly conserved and there is a small physicochemical difference between glutamic acid and lysine. This variant is not present in population databases (ExAC no frequency). This variant has not been reported in the literature in individuals affected with CACNA1D-related conditions. In summary, the available evidence is currently insufficient to determine the role of this variant in disease. Therefore, it has been classified as a Variant of Uncertain Significance.

NM_001128840.3(CACNA1D):c.3469G>A (p.Glu1157Lys)

Genes: CACNA1D (calcium voltage-gated channel subunit alpha1 D; plus strand), LOC129936904 (ATAC-STARR-seq lymphoblastoid active region 19969; plus strand). Cytogenetic location: 3p21.1.
Variant type: single nucleotide variant.
Coding change: c.3469G>A on transcript NM_001128840.3 (MANE Select); coding-DNA position 3469, G replaced by A.
Protein change: p.Glu1157Lys; replaces glutamic acid 1157 with lysine.
Molecular consequence: missense variant.
Genome position (GRCh38, 1-based): chr3:53,749,422, G>A. VCF-style: chr3-53749422-G-A. GRCh37 (hg19) VCF-style: chr3-53783449-G-A.
Other names: c.3529G>A, p.Glu1177Lys (NM_000720.4); c.3469G>A, p.Glu1157Lys (NM_001128839.3); short protein forms E1177K, E1157K.
Identifiers: ClinVar variation 1472451 (VCV001472451.6), dbSNP rs2108865623, ClinGen allele CA353249143.